The following is an entry in ClinVar:

NM_004444.5(EPHB4):c.1181G>A (p.Arg394Gln)

Gene: EPHB4 (EPH receptor B4; minus strand). Cytogenetic location: 7q22.1.
Variant type: single nucleotide variant.
Coding change: c.1181G>A on transcript NM_004444.5 (MANE Select); coding-DNA position 1181, G replaced by A.
Protein change: p.Arg394Gln; replaces arginine 394 with glutamine.
Molecular consequence: missense variant.
Genome position (GRCh38, 1-based): chr7:100,819,673, C>T on the plus strand (G>A on the coding strand, the complement: EPHB4 is on the minus strand). VCF-style: chr7-100819673-C-T. GRCh37 (hg19) VCF-style: chr7-100417295-C-T.
Other names: c.1181G>A (NM_004444.4); short protein forms R394Q.
Identifiers: ClinVar variation 1984985 (VCV001984985.5), dbSNP rs373471680, ClinGen allele CA4393078.

ClinVar aggregate classification (germline): Conflicting classifications of pathogenicity. Review status: criteria provided, conflicting classifications (1 of 4 stars). 2 submissions from 2 submitters: Uncertain significance (1); Benign (1). Last evaluated 2024-06-12.

Conditions:
Cardiovascular phenotype. Identifiers: MedGen CN230736.

Allele frequency attached by ClinVar (database versions not stated): gnomAD 0.00004; TOPMed 0.00004; ExAC 0.00005; gnomAD exomes 0.00005; ESP Exome Variant Server 0.00008; 1000 Genomes Project 30x 0.00016; 1000 Genomes Project 0.00020.

Submissions (2):

Ambry Genetics
Classification: Benign for Cardiovascular phenotype. Last evaluated: 2024-06-12. Review status: criteria provided, single submitter. Criteria: Ambry Variant Classification Scheme 2023. Collection method: clinical testing. Allele origin: germline.

Labcorp Genetics (formerly Invitae), Labcorp
Classification: Uncertain significance. Last evaluated: 2023-11-03. Review status: criteria provided, single submitter. Criteria: Invitae Variant Classification Sherloc (09022015). Collection method: clinical testing. Allele origin: germline.
Comment: This sequence change replaces arginine, which is basic and polar, with glutamine, which is neutral and polar, at codon 394 of the EPHB4 protein (p.Arg394Gln). This variant is present in population databases (rs373471680, gnomAD 0.01%). This variant has not been reported in the literature in individuals affected with EPHB4-related conditions. ClinVar contains an entry for this variant (Variation ID: 1984985). Advanced modeling of protein sequence and biophysical properties (such as structural, functional, and spatial information, amino acid conservation, physicochemical variation, residue mobility, and thermodynamic stability) performed at Invitae indicates that this missense variant is not expected to disrupt EPHB4 protein function with a negative predictive value of 80%. In summary, the available evidence is currently insufficient to determine the role of this variant in disease. Therefore, it has been classified as a Variant of Uncertain Significance.